The following is an entry in ClinVar:

Single allele

Gene: ATM (ATM serine/threonine kinase; plus strand). Cytogenetic location: 11q22.3.
Variant type: Deletion.
Identifiers: ClinVar variation 2681805 (VCV002681805.1).

ClinVar aggregate classification (germline): Pathogenic (1 of 4 stars; one submission).

Submission:

Quest Diagnostics Nichols Institute San Juan Capistrano
Classification: Pathogenic. Last evaluated: 2023-05-16. Review status: criteria provided, single submitter. Criteria: Quest Diagnostics criteria. Collection method: clinical testing. Allele origin: unknown.
Comment: This variant is predicted to disrupt the translation reading frame of the ATM mRNA and result in the premature termination of ATM protein synthesis. This deletion is also known as IVS63del16kb or a deletion of exons 64-65. In the published literature, similar deletions of exons 62-63 in the ATM gene have been reported in women affected with breast and/or ovarian cancer (PMIDs: 25428789 (2015), 26681312 (2015), 30086788 (2018), 30322717 (2018), 32206661 (2020), 33919281 (2021)) and in multiple families affected with ataxia-telangiectasia (PMIDs: 9443866 (1998), 9792409 (1998), 21665257 (2011), 22006793 (2012), 25122203 (2014), 25614872 (2014), 33547824 (2021)). Based on the available information, this variant is classified as pathogenic.

Literature cited by the submitters: PubMed 21665257; PubMed 34628594; PubMed 33547824; PubMed 30322717; PubMed 32206661; PubMed 25614872; PubMed 26681312; PubMed 30086788; PubMed 35022142; PubMed 33919281; PubMed 9792409; PubMed 9443866; PubMed 25122203; PubMed 22006793; PubMed 25428789.